The following is an entry in ClinVar:

ClinVar aggregate classification (germline): Conflicting classifications of pathogenicity. Review status: criteria provided, conflicting classifications (1 of 4 stars). 12 submissions from 11 submitters: Uncertain significance (1); Benign (1); Likely benign (4). 6 of the submissions do not count toward it. Last evaluated 2026-02-03.

Conditions:
Hereditary cancer-predisposing syndrome. Also called: Tumor predisposition; Neoplastic Syndromes, Hereditary; Hereditary Cancer Syndrome; Hereditary neoplastic syndrome. Identifiers: Orphanet 140162, MedGen C0027672, MeSH D009386, MONDO:0015356.
Carcinoma of colon (CRC). Also called: Colon carcinoma; Colonic carcinoma. Identifiers: MedGen C0699790, MONDO:0002032.
Familial adenomatous polyposis 2. Also called: MUTYH-related attenuated familial adenomatous polyposis; MYH-associated polyposis; COLORECTAL ADENOMATOUS POLYPOSIS, AUTOSOMAL RECESSIVE; ADENOMAS, MULTIPLE COLORECTAL, AUTOSOMAL RECESSIVE; Adenomas, multiple colorectal; FAP type 2. Identifiers: Orphanet 220460, Orphanet 247798, MedGen C3272841, MONDO:0012041, OMIM 608456.

Allele frequency attached by ClinVar (database versions not stated): ExAC 0.00002; TOPMed 0.00006; gnomAD exomes 0.00007 and 0.00010; gnomAD 0.00008 and 0.00009.
gnomAD v4.1: 150 of 1,613,840 alleles (0.0093%); highest among the groups gnomAD compares: Non-Finnish European, 0.012%; no homozygotes.

Submissions (12):

Labcorp Genetics (formerly Invitae), Labcorp
Classification: Likely benign for Familial adenomatous polyposis 2. Last evaluated: 2026-02-03. Review status: criteria provided, single submitter. Criteria: Invitae Variant Classification Sherloc (09022015). Collection method: clinical testing. Allele origin: germline.

Center for Genomic Medicine, Rigshospitalet, Copenhagen University Hospital
Classification: Likely benign. Last evaluated: 2025-03-04. Review status: criteria provided, single submitter. Criteria: ACMG Guidelines, 2015. Collection method: clinical testing. Allele origin: germline.

Blueprint Genetics
Classification: Likely benign. Last evaluated: 2024-11-06. Review status: criteria provided, single submitter. Criteria: ACMG Guidelines, 2015. Collection method: clinical testing. Allele origin: germline.

Department of Pathology and Laboratory Medicine, Sinai Health System
Classification: Uncertain significance for Familial adenomatous polyposis 2. Last evaluated: 2019-04-01. Review status: criteria provided, single submitter. Criteria: ACMG Guidelines, 2015. Collection method: research. Allele origin: germline.

Color Diagnostics, LLC DBA Color Health
Classification: Likely benign for Hereditary cancer-predisposing syndrome. Last evaluated: 2016-08-18. Review status: criteria provided, single submitter. Criteria: ACMG Guidelines, 2015. Collection method: clinical testing. Allele origin: germline.

GeneDx
Classification: Benign. Last evaluated: 2015-03-03. Review status: criteria provided, single submitter. Criteria: GeneDx Variant Classification Process June 2021. Collection method: clinical testing. Allele origin: germline. Affected: yes.

Counsyl
Classification: Uncertain significance for Familial adenomatous polyposis 2. Last evaluated: 2016-02-25. Review status: no assertion criteria provided. Collection method: clinical testing. Allele origin: unknown. Not counted in ClinVar's aggregate classification.

Clinical Genetics, Academic Medical Center
Classification: Likely benign. Review status: no assertion criteria provided. Collection method: clinical testing. Allele origin: germline. Affected: yes. Study: VKGL Data-share Consensus. Not counted in ClinVar's aggregate classification.

Department of Pathology and Laboratory Medicine, Sinai Health System
Classification: Likely benign for Carcinoma of colon. Review status: no assertion criteria provided. Collection method: clinical testing. Allele origin: unknown. Affected: yes. Observed: 1 variant allele. Study: The Canadian Open Genetics Repository (COGR). Not counted in ClinVar's aggregate classification.
Comment: The c.690+14C>G variant was not identified in the literature nor was it identified in the in dbSNP, NHLBI Exome Sequencing Project (Exome Variant Server), HGMD, COSMIC, MutDB, â€šÃ„ÃºMismatch Repair Genes Variant Databaseâ€šÃ„Ã¹, â€šÃ„ÃºMMR Gene Unclassified Variants Databaseâ€šÃ„Ã¹, â€šÃ„ÃºZhejiang Colon Cancer Databaseâ€šÃ„Ã¹, ClinVar database, and UMD databases. However it was listed 2X in â€šÃ„ÃºInSiGHT Colon Cancer Databaseâ€šÃ„Ã¹ with undetermined clinical significance. The c.690+14C>G variant occurs outside of the splicing consensus sequence and in silico or computational prediction software (SpliceSiteFinder, MaxEntScan, NNSPLICE, GeneSplicer, HumanSpliceFinder) does not predict a difference in splicing in 5 of 5 different programs. (However, this information is not predictive enough to rule out pathogenicity.) In summary, based on the above information, the clinical significance of this variant cannot be determined with certainty at this time although we would lean towards a more benign role for this variant. This variant is classified as predicted benign.

Diagnostic Laboratory, Department of Genetics, University Medical Center Groningen
Classification: Likely benign. Review status: no assertion criteria provided. Collection method: clinical testing. Allele origin: germline. Affected: yes. Study: VKGL Data-share Consensus. Not counted in ClinVar's aggregate classification.

Genome Diagnostics Laboratory, Amsterdam University Medical Center
Classification: Likely benign. Review status: no assertion criteria provided. Collection method: clinical testing. Allele origin: germline. Affected: yes. Study: VKGL Data-share Consensus. Not counted in ClinVar's aggregate classification.

Joint Genome Diagnostic Labs from Nijmegen and Maastricht, Radboudumc and MUMC+
Classification: Likely benign. Review status: no assertion criteria provided. Collection method: clinical testing. Allele origin: germline. Affected: yes. Study: VKGL Data-share Consensus. Not counted in ClinVar's aggregate classification.

NM_001048174.2(MUTYH):c.606+14C>G

Gene: MUTYH (mutY DNA glycosylase; minus strand). Cytogenetic location: 1p34.1.
Variant type: single nucleotide variant.
Coding change: c.606+14C>G on transcript NM_001048174.2 (MANE Select); 14 bases into the intron after coding-DNA position 606, C replaced by G.
Molecular consequence: intron variant.
Genome position (GRCh38, 1-based): chr1:45,332,560, G>C on the plus strand (C>G on the coding strand, the complement: MUTYH is on the minus strand). VCF-style: chr1-45332560-G-C. GRCh37 (hg19) VCF-style: chr1-45798232-G-C.
Other names: c.261+14C>G (NM_001350651.2, NM_001350650.2); c.330+14C>G (NM_001293192.2, NM_001293196.2); c.606+14C>G (NM_001048171.2, NM_001048173.2, NM_001293195.2); c.651+14C>G (NM_001293190.2); c.681+14C>G (NM_012222.3); c.690+14C>G (NM_001128425.2); c.609+14C>G (NM_001048172.2); c.639+14C>G (NM_001293191.2).
Identifiers: ClinVar variation 371678 (VCV000371678.31), dbSNP rs752537118, ClinGen allele CA058602.